The following is an entry in ClinVar:

ClinVar aggregate classification (germline): Likely benign. Review status: criteria provided, single submitter (1 of 4 stars). 2 submissions from 2 submitters: Likely benign (1). 1 of the submissions does not count toward it. Last evaluated 2025-05-30.

Conditions:
TRAPPC9-related disorder. Also called: TRAPPC9-related condition.

Allele frequency attached by ClinVar (database versions not stated): TOPMed 0.00013.
gnomAD v4.1: 55 of 1,614,102 alleles (0.0034%); highest among the groups gnomAD compares: East Asian, 0.11%; no homozygotes.

Submissions (2):

Labcorp Genetics (formerly Invitae), Labcorp
Classification: Likely benign. Last evaluated: 2025-05-30. Review status: criteria provided, single submitter. Criteria: Invitae Variant Classification Sherloc (09022015). Collection method: clinical testing. Allele origin: germline.

PreventionGenetics, part of Exact Sciences
Classification: Likely benign for TRAPPC9-related condition. Last evaluated: 2023-04-25. Review status: no assertion criteria provided. Collection method: clinical testing. Allele origin: germline. Not counted in ClinVar's aggregate classification.
Comment: This variant is classified as likely benign based on ACMG/AMP sequence variant interpretation guidelines (Richards et al. 2015 PMID: 25741868, with internal and published modifications).

NM_001160372.4(TRAPPC9):c.1736A>C (p.His579Pro)

Gene: TRAPPC9 (trafficking protein particle complex subunit 9; minus strand). Cytogenetic location: 8q24.3.
Variant type: single nucleotide variant.
Coding change: c.1736A>C on transcript NM_001160372.4 (MANE Select); coding-DNA position 1736, A replaced by C.
Protein change: p.His579Pro; replaces histidine 579 with proline.
Molecular consequence: missense variant. On other transcripts: non-coding transcript variant (1).
Genome position (GRCh38, 1-based): chr8:140,300,501, T>G on the plus strand (A>C on the coding strand, the complement: TRAPPC9 is on the minus strand). VCF-style: chr8-140300501-T-G. GRCh37 (hg19) VCF-style: chr8-141310600-T-G.
Other names: c.1709A>C, p.His570Pro (NM_001321646.2); c.1757A>C, p.His586Pro (NM_001374682.1); c.1736A>C, p.His579Pro (NM_001374683.1, NM_031466.8); c.1592A>C, p.His531Pro (NM_001374684.1); c.2030A>C (NM_031466.7); short protein forms H531P, H570P, H579P, H586P.
Identifiers: ClinVar variation 1967155 (VCV001967155.7), dbSNP rs757718184, ClinGen allele CA4893358.
Genomic context (GRCh38, chr8:140,300,501, plus strand): 5'-GGTGGGAAAGCCAGGATCGACGTCCTACCTATTTTCTTGTTCCGCTCTTCTCCACGGTTG[T>G]GTGCGATAATTGGTGAATAGATGAAAGGACTTTTGGTTGACACGTTCTGACCCAGCAAGC-3'
Protein context (NP_001153844.1, residues 569-589): SPFIYSPIIA[His579Pro]NRGEERNKKI